The following is an entry in ClinVar:

ClinVar aggregate classification (germline): Likely pathogenic (1 of 4 stars; one submission).

Conditions:
Carcinoma of esophagus. Also called: Oesophageal carcinoma; Esophageal carcinoma. Identifiers: Orphanet 70482, MedGen C0152018, MONDO:0019086, HP:0011459.

gnomAD v4.1: 5 of 1,613,712 alleles (0.00031%); highest among the groups gnomAD compares: Admixed American, 0.005%; no homozygotes.

Submission:

Department of Genomics, ADN Uruguay
Classification: Likely pathogenic for Carcinoma of esophagus. Last evaluated: 2024-06-27. Review status: criteria provided, single submitter. Criteria: Assertion Criteria Germline. Collection method: clinical testing. Allele origin: germline. Inheritance: Autosomal dominant inheritance. Affected: yes. Observed: 1 variant allele.
Comment: The MSR1 c.31C>T (p.Gln11*) variant is a nonsense mutation predicted to result in premature termination of the protein at amino acid position 11 (PVS1). Loss-of-function is a plausible disease mechanism for MSR1, which is implicated in tumor suppression and immune signaling. The variant is extremely rare, with an allele frequency of 0.00001194 in gnomAD and absent from 1000 Genomes (PM2). No conflicting benign evidence is available. Based on ACMG/AMP (2015) criteria (PVS1 + PM2), this variant is classified as Likely Pathogenic for Hereditary Esophageal Cancer.

NM_138715.3(MSR1):c.31C>T (p.Gln11Ter)

Gene: MSR1 (macrophage scavenger receptor 1; minus strand). Cytogenetic location: 8p22.
Variant type: single nucleotide variant.
Coding change: c.31C>T on transcript NM_138715.3 (MANE Select); coding-DNA position 31, C replaced by T.
Protein change: p.Gln11Ter; replaces glutamine 11 with a stop codon.
Molecular consequence: nonsense.
Genome position (GRCh38, 1-based): chr8:16,177,958, G>A on the plus strand (C>T on the coding strand, the complement: MSR1 is on the minus strand). VCF-style: chr8-16177958-G-A. GRCh37 (hg19) VCF-style: chr8-16035467-G-A.
Other names: c.85C>T, p.Gln29Ter (NM_001363744.1); c.31C>T, p.Gln11Ter (NM_002445.4, NM_138716.3); short protein forms Q11*, Q29*.
Identifiers: ClinVar variation 4526862 (VCV004526862.1).
Genomic context (GRCh38, chr8:16,177,958, plus strand): 5'-AAGCTGTCATTGAGCGAGCATCAAATTTCACAGATTCGGAGCAGCTATCAGTGTCCTCCT[G>A]TTGATTGTGAAAGTGATCCCACTGCTCCATACTTCTATGAAACAAAATGGAAAAATATAT-3'